The following is an entry in ClinVar:

ClinVar aggregate classification (germline): Uncertain significance (1 of 4 stars; one submission).

Submission:

Labcorp Genetics (formerly Invitae), Labcorp
Classification: Uncertain significance. Last evaluated: 2025-02-10. Review status: criteria provided, single submitter. Criteria: Invitae Variant Classification Sherloc (09022015). Collection method: clinical testing. Allele origin: germline.
Comment: This sequence change replaces glutamine, which is neutral and polar, with arginine, which is basic and polar, at codon 133 of the SERPINF1 protein (p.Gln133Arg). This variant is not present in population databases (gnomAD no frequency). This variant has not been reported in the literature in individuals affected with SERPINF1-related conditions. ClinVar contains an entry for this variant (Variation ID: 2065555). Invitae Evidence Modeling of protein sequence and biophysical properties (such as structural, functional, and spatial information, amino acid conservation, physicochemical variation, residue mobility, and thermodynamic stability) indicates that this missense variant is not expected to disrupt SERPINF1 protein function with a negative predictive value of 80%. In summary, the available evidence is currently insufficient to determine the role of this variant in disease. Therefore, it has been classified as a Variant of Uncertain Significance.

NM_002615.7(SERPINF1):c.398A>G (p.Gln133Arg)

Gene: SERPINF1 (serpin family F member 1; plus strand). Cytogenetic location: 17p13.3.
Variant type: single nucleotide variant.
Coding change: c.398A>G on transcript NM_002615.7 (MANE Select); coding-DNA position 398, A replaced by G.
Protein change: p.Gln133Arg; replaces glutamine 133 with arginine.
Molecular consequence: missense variant. On other transcripts: 5 prime UTR variant (1).
Genome position (GRCh38, 1-based): chr17:1,771,143, A>G. VCF-style: chr17-1771143-A-G. GRCh37 (hg19) VCF-style: chr17-1674437-A-G.
Other names: c.398A>G, p.Gln133Arg (NM_001329903.2); c.-164A>G (NM_001329904.2); short protein forms Q133R.
Identifiers: ClinVar variation 2065555 (VCV002065555.4), dbSNP rs2543480165, ClinGen allele CA397584656.